The following is an entry in ClinVar:

ClinVar aggregate classification (germline): Likely benign. Review status: criteria provided, multiple submitters, no conflicts (2 of 4 stars). 4 submissions from 4 submitters: Likely benign (4). Last evaluated 2024-10-10.

Conditions:
Hereditary cancer-predisposing syndrome. Also called: Tumor predisposition; Hereditary Cancer Syndrome; Hereditary neoplastic syndrome; Neoplastic Syndromes, Hereditary. Identifiers: Orphanet 140162, MedGen C0027672, MeSH D009386, MONDO:0015356.
Neurofibromatosis, type 1 (NF1). Also called: VON RECKLINGHAUSEN DISEASE; NEUROFIBROMATOSIS, TYPE I, SOMATIC; Peripheral type neurofibromatosis; Neurofibromatosis, type I. Identifiers: Orphanet 636, MedGen C0027831, MONDO:0018975, OMIM 162200. Disease mechanism: loss of function.

Submissions (4):

Women's Health and Genetics/Laboratory Corporation of America, LabCorp
Classification: Likely benign. Last evaluated: 2024-10-10. Review status: criteria provided, single submitter. Criteria: LabCorp Variant Classification Summary - May 2015. Collection method: clinical testing. Allele origin: germline.

Labcorp Genetics (formerly Invitae), Labcorp
Classification: Likely benign for Neurofibromatosis, type 1. Last evaluated: 2024-04-15. Review status: criteria provided, single submitter. Criteria: Invitae Variant Classification Sherloc (09022015). Collection method: clinical testing. Allele origin: germline.

Genome-Nilou Lab
Classification: Likely benign for Neurofibromatosis, type 1. Last evaluated: 2022-03-15. Review status: criteria provided, single submitter. Criteria: ACMG Guidelines, 2015. Collection method: clinical testing. Allele origin: germline. Affected: no.

Ambry Genetics
Classification: Likely benign for Hereditary cancer-predisposing syndrome. Last evaluated: 2015-08-07. Review status: criteria provided, single submitter. Criteria: Ambry Autosomal Dominant and X-Linked criteria (10/2015). Collection method: clinical testing. Allele origin: germline. Observed: 1 variant allele.
Comment: In silico models in agreement (benign);Synonymous alterations with insufficient evidence to classify as benign

NM_001042492.3(NF1):c.6300T>C (p.Leu2100=)

Gene: NF1 (neurofibromin 1; plus strand). Cytogenetic location: 17q11.2.
Variant type: single nucleotide variant.
Coding change: c.6300T>C on transcript NM_001042492.3 (MANE Select); coding-DNA position 6300, T replaced by C.
Protein change: p.Leu2100=; no amino-acid change (leucine 2100 retained).
Molecular consequence: synonymous variant.
Genome position (GRCh38, 1-based): chr17:31,336,787, T>C. VCF-style: chr17-31336787-T-C. GRCh37 (hg19) VCF-style: chr17-29663805-T-C.
Other names: c.6237T>C, p.Leu2079= (NM_000267.4).
Identifiers: ClinVar variation 233166 (VCV000233166.12), dbSNP rs876660236, ClinGen allele CA10580373.